The following is an entry in ClinVar:

ClinVar aggregate classification (germline): Benign/Likely benign. Review status: criteria provided, multiple submitters, no conflicts (2 of 4 stars). 4 submissions from 4 submitters: Benign (1); Likely benign (3). Last evaluated 2025-04-29.

Conditions:
Hereditary cancer-predisposing syndrome. Also called: Hereditary Cancer Syndrome; Neoplastic Syndromes, Hereditary; Tumor predisposition; Hereditary neoplastic syndrome. Identifiers: Orphanet 140162, MedGen C0027672, MeSH D009386, MONDO:0015356.
Familial adenomatous polyposis 1 (FAP1). Also called: FAMILIAL ADENOMATOUS POLYPOSIS 1, ATTENUATED; POLYPOSIS, ADENOMATOUS INTESTINAL. Identifiers: MedGen C2713442, MONDO:0021056, OMIM 175100. Disease mechanism: loss of function.

Submissions (4):

Labcorp Genetics (formerly Invitae), Labcorp
Classification: Likely benign for Familial adenomatous polyposis 1. Last evaluated: 2025-04-29. Review status: criteria provided, single submitter. Criteria: Invitae Variant Classification Sherloc (09022015). Collection method: clinical testing. Allele origin: germline.

Myriad Genetics, Inc.
Classification: Benign for Familial adenomatous polyposis 1. Last evaluated: 2024-04-01. Review status: criteria provided, single submitter. Criteria: Myriad Autosomal Dominant, Autosomal Recessive and X-Linked Classification Criteria (2023). Collection method: clinical testing. Allele origin: unknown.
Comment: This variant is considered benign. This variant is a silent/synonymous amino acid change and it is not expected to impact splicing.

Color Diagnostics, LLC DBA Color Health
Classification: Likely benign for Hereditary cancer-predisposing syndrome. Last evaluated: 2023-11-20. Review status: criteria provided, single submitter. Criteria: ACMG Guidelines, 2015. Collection method: clinical testing. Allele origin: germline.

Ambry Genetics
Classification: Likely benign for Hereditary cancer-predisposing syndrome. Last evaluated: 2020-05-26. Review status: criteria provided, single submitter. Criteria: Ambry Variant Classification Scheme 2023. Collection method: clinical testing. Allele origin: germline.

NM_000038.6(APC):c.5259A>G (p.Ala1753=)

Gene: APC (APC regulator of Wnt signaling pathway; plus strand). Cytogenetic location: 5q22.2.
Variant type: single nucleotide variant.
Coding change: c.5259A>G on transcript NM_000038.6 (MANE Select); coding-DNA position 5259, A replaced by G.
Protein change: p.Ala1753=; no amino-acid change (alanine 1753 retained).
Molecular consequence: synonymous variant. On other transcripts: non-coding transcript variant (2).
Genome position (GRCh38, 1-based): chr5:112,840,853, A>G. VCF-style: chr5-112840853-A-G. GRCh37 (hg19) VCF-style: chr5-112176550-A-G.
Other names: c.5259A>G, p.Ala1753= (NM_001127510.3, NM_001354895.2, NM_001407450.1); c.5205A>G, p.Ala1735= (NM_001127511.3); c.5313A>G, p.Ala1771= (NM_001354896.2, NM_001407447.1, NM_001407448.1 and 1 more transcripts); c.5289A>G, p.Ala1763= (NM_001354897.2); c.5184A>G, p.Ala1728= (NM_001354898.2); c.5175A>G, p.Ala1725= (NM_001354899.2); c.5136A>G, p.Ala1712= (NM_001354900.2); c.5082A>G, p.Ala1694= (NM_001354901.2, NM_001407453.1); and 11 more.
Identifiers: ClinVar variation 1746398 (VCV001746398.8), dbSNP rs2533632045, ClinGen allele CA446209666.